The following is an entry in ClinVar:

NM_003072.5(SMARCA4):c.1981G>A (p.Gly661Ser)

Gene: SMARCA4 (SWI/SNF related BAF chromatin remodeling complex subunit ATPase 4; plus strand). Cytogenetic location: 19p13.2.
Variant type: single nucleotide variant.
Coding change: c.1981G>A on transcript NM_003072.5 (MANE Select); coding-DNA position 1981, G replaced by A.
Protein change: p.Gly661Ser; replaces glycine 661 with serine.
Molecular consequence: missense variant. On other transcripts: non-coding transcript variant (1).
Genome position (GRCh38, 1-based): chr19:11,003,377, G>A. VCF-style: chr19-11003377-G-A. GRCh37 (hg19) VCF-style: chr19-11114053-G-A.
Other names: c.1981G>A, p.Gly661Ser (NM_001128844.3, NM_001128845.2, NM_001128846.2 and 6 more transcripts); short protein forms G661S.
Identifiers: ClinVar variation 1997600 (VCV001997600.4), dbSNP rs2146109237, ClinGen allele CA404052235.

ClinVar aggregate classification (germline): Uncertain significance (1 of 4 stars; one submission).

Conditions:
Rhabdoid tumor predisposition syndrome 2 (RTPS2). Identifiers: Orphanet 231108, Orphanet 69077, MedGen C2750074, MONDO:0013224, OMIM 613325.

Submission:

Labcorp Genetics (formerly Invitae), Labcorp
Classification: Uncertain significance for Rhabdoid tumor predisposition syndrome 2. Last evaluated: 2022-05-21. Review status: criteria provided, single submitter. Criteria: Invitae Variant Classification Sherloc (09022015). Collection method: clinical testing. Allele origin: germline.
Comment: In summary, the available evidence is currently insufficient to determine the role of this variant in disease. Therefore, it has been classified as a Variant of Uncertain Significance. Algorithms developed to predict the effect of missense changes on protein structure and function output the following: SIFT: "Tolerated"; PolyPhen-2: "Benign"; Align-GVGD: "Class C0". The serine amino acid residue is found in multiple mammalian species, which suggests that this missense change does not adversely affect protein function. This variant has not been reported in the literature in individuals affected with SMARCA4-related conditions. This variant is not present in population databases (gnomAD no frequency). This sequence change replaces glycine, which is neutral and non-polar, with serine, which is neutral and polar, at codon 661 of the SMARCA4 protein (p.Gly661Ser).